The following is an entry in ClinVar:

NM_145331.3(MAP3K7):c.328G>T (p.Gly110Cys)

Gene: MAP3K7 (mitogen-activated protein kinase kinase kinase 7; minus strand). Cytogenetic location: 6q15.
Variant type: single nucleotide variant.
Coding change: c.328G>T on transcript NM_145331.3 (MANE Select); coding-DNA position 328, G replaced by T.
Protein change: p.Gly110Cys; replaces glycine 110 with cysteine.
Molecular consequence: missense variant.
Genome position (GRCh38, 1-based): chr6:90,561,637, C>A on the plus strand (G>T on the coding strand, the complement: MAP3K7 is on the minus strand). VCF-style: chr6-90561637-C-A. GRCh37 (hg19) VCF-style: chr6-91271356-C-A.
Other names: c.328G>T, p.Gly110Cys (NM_003188.4, NM_145332.3, NM_145333.3); short protein forms G110C.
Identifiers: ClinVar variation 264703 (VCV000264703.8), dbSNP rs886039235, ClinGen allele CA10588011.

ClinVar aggregate classification (germline): Likely pathogenic. Review status: criteria provided, single submitter (1 of 4 stars). 2 submissions from 2 submitters: Likely pathogenic (1). 1 of the submissions does not count toward it. Last evaluated 2022-07-12.

Conditions:
Cardiospondylocarpofacial syndrome (CSCF). Identifiers: Orphanet 3238, MedGen C2931461, MONDO:0008005, OMIM 157800.

Submissions (2):

Labcorp Genetics (formerly Invitae), Labcorp
Classification: Likely pathogenic. Last evaluated: 2022-07-12. Review status: criteria provided, single submitter. Criteria: Invitae Variant Classification Sherloc (09022015). Collection method: clinical testing. Allele origin: germline.
Comment: This sequence change replaces glycine, which is neutral and non-polar, with cysteine, which is neutral and slightly polar, at codon 110 of the MAP3K7 protein (p.Gly110Cys). This variant is not present in population databases (gnomAD no frequency). This missense change has been observed in individual(s) with cardiospondylocarpofacial syndrome (PMID: 27426734). In at least one individual the variant was observed to be de novo. ClinVar contains an entry for this variant (Variation ID: 264703). Algorithms developed to predict the effect of missense changes on protein structure and function are either unavailable or do not agree on the potential impact of this missense change (SIFT: "Deleterious"; PolyPhen-2: "Probably Damaging"; Align-GVGD: "Class C0"). In summary, the currently available evidence indicates that the variant is pathogenic, but additional data are needed to prove that conclusively. Therefore, this variant has been classified as Likely Pathogenic.

OMIM
Classification: Pathogenic for CARDIOSPONDYLOCARPOFACIAL SYNDROME. Last evaluated: 2022-02-04. Review status: no assertion criteria provided. Collection method: literature only. Allele origin: germline. Not counted in ClinVar's aggregate classification.

Literature cited by the submitters: PubMed 27426734 (cited by Labcorp Genetics (formerly Invitae), Labcorp); PubMed 20186786 (cited by OMIM); Le Goff, C., Rogers, C., Le Goff, W., Pinto, G., Bonnet, D., Chrabieh, M., Alibeu, O., Nistchke, P., Munnich, A., Picard, C., Cormier-Daire, V. Heterozygous mutations in MAP3K7, encoding TGF-beta-activated kinase 1, cause cardiospondylocarpofacial syndrome. Am. J. Hum. Genet. 99: 407-413, 2016. (cited by OMIM).